The following is an entry in ClinVar:

ClinVar aggregate classification (germline): Uncertain significance. Review status: criteria provided, multiple submitters, no conflicts (2 of 4 stars). 4 submissions from 4 submitters: Uncertain significance (3). 1 of the submissions does not count toward it. Last evaluated 2025-07-15.

Conditions:
RP1-related disorder. Also called: RP1-related condition.
Inborn genetic diseases. Identifiers: MedGen C0950123, MeSH D030342.

gnomAD v4.1: 82 of 1,613,824 alleles (0.0051%); highest among the groups gnomAD compares: Non-Finnish European, 0.0069%; no homozygotes.

Submissions (4):

Ambry Genetics
Classification: Uncertain significance for Inborn genetic diseases. Last evaluated: 2025-07-15. Review status: criteria provided, single submitter. Criteria: Ambry Variant Classification Scheme 2023. Collection method: clinical testing. Allele origin: germline.

Labcorp Genetics (formerly Invitae), Labcorp
Classification: Uncertain significance. Last evaluated: 2024-02-02. Review status: criteria provided, single submitter. Criteria: Invitae Variant Classification Sherloc (09022015). Collection method: clinical testing. Allele origin: germline.
Comment: This sequence change replaces lysine, which is basic and polar, with threonine, which is neutral and polar, at codon 853 of the RP1 protein (p.Lys853Thr). This variant is present in population databases (no rsID available, gnomAD 0.003%). This variant has not been reported in the literature in individuals affected with RP1-related conditions. An algorithm developed to predict the effect of missense changes on protein structure and function (PolyPhen-2) suggests that this variant is likely to be tolerated. In summary, the available evidence is currently insufficient to determine the role of this variant in disease. Therefore, it has been classified as a Variant of Uncertain Significance.

Blueprint Genetics
Classification: Uncertain significance. Last evaluated: 2023-03-30. Review status: criteria provided, single submitter. Criteria: ACMG Guidelines, 2015. Collection method: clinical testing. Allele origin: germline.

PreventionGenetics, part of Exact Sciences
Classification: Uncertain significance for RP1-related condition. Last evaluated: 2024-04-17. Review status: no assertion criteria provided. Collection method: clinical testing. Allele origin: germline. Not counted in ClinVar's aggregate classification.
Comment: The RP1 c.2558A>C variant is predicted to result in the amino acid substitution p.Lys853Thr. To our knowledge, this variant has not been reported in the literature. This variant is reported in 0.0026% of alleles in individuals of European (Non-Finnish) descent in gnomAD. At this time, the clinical significance of this variant is uncertain due to the absence of conclusive functional and genetic evidence.

NM_006269.2(RP1):c.2558A>C (p.Lys853Thr)

Gene: RP1 (RP1 axonemal microtubule associated; plus strand). Cytogenetic location: 8q12.1.
Variant type: single nucleotide variant.
Coding change: c.2558A>C on transcript NM_006269.2 (MANE Select); coding-DNA position 2558, A replaced by C.
Protein change: p.Lys853Thr; replaces lysine 853 with threonine.
Molecular consequence: missense variant. On other transcripts: intron variant (1).
Genome position (GRCh38, 1-based): chr8:54,626,440, A>C. VCF-style: chr8-54626440-A-C. GRCh37 (hg19) VCF-style: chr8-55539000-A-C.
Other names: c.787+4152A>C (NM_001375654.1); short protein forms K853T.
Identifiers: ClinVar variation 3356087 (VCV003356087.5).